The following is an entry in ClinVar:

ClinVar aggregate classification (germline): Pathogenic (1 of 4 stars; one submission).

Submission:

GeneDx
Classification: Pathogenic. Last evaluated: 2023-10-19. Review status: criteria provided, single submitter. Criteria: GeneDx Variant Classification Process June 2021. Collection method: clinical testing. Allele origin: germline. Affected: yes.
Comment: Located in the highly conserved Gly-X-Y repeat of the collagenous domain; Glycine substitution variants in this region of the COLVII protein destabilize the collagen triple helix resulting in skin fragility due to poor anchoring of the basement membrane to the underlying dermis (Pfendner and Lucky, 2018); Not observed at significant frequency in large population cohorts (gnomAD); In silico analysis supports that this missense variant has a deleterious effect on protein structure/function; This variant is associated with the following publications: (PMID: 20301481)

NM_000094.4(COL7A1):c.6842G>C (p.Gly2281Ala)

Gene: COL7A1 (collagen type VII alpha 1 chain; minus strand). Cytogenetic location: 3p21.31.
Variant type: single nucleotide variant.
Coding change: c.6842G>C on transcript NM_000094.4 (MANE Select); coding-DNA position 6842, G replaced by C.
Protein change: p.Gly2281Ala; replaces glycine 2281 with alanine.
Molecular consequence: missense variant.
Genome position (GRCh38, 1-based): chr3:48,572,729, C>G on the plus strand (G>C on the coding strand, the complement: COL7A1 is on the minus strand). VCF-style: chr3-48572729-C-G. GRCh37 (hg19) VCF-style: chr3-48610162-C-G.
Other names: short protein forms G2281A.
Identifiers: ClinVar variation 419501 (VCV000419501.3), dbSNP rs1064793915, ClinGen allele CA16617982.